The following is an entry in ClinVar:

NM_177402.5(SYT2):c.1094T>C (p.Leu365Pro)

Gene: SYT2 (synaptotagmin 2; minus strand). Cytogenetic location: 1q32.1.
Variant type: single nucleotide variant.
Coding change: c.1094T>C on transcript NM_177402.5 (MANE Select); coding-DNA position 1094, T replaced by C.
Protein change: p.Leu365Pro; replaces leucine 365 with proline.
Molecular consequence: missense variant.
Genome position (GRCh38, 1-based): chr1:202,596,923, A>G on the plus strand (T>C on the coding strand, the complement: SYT2 is on the minus strand). VCF-style: chr1-202596923-A-G. GRCh37 (hg19) VCF-style: chr1-202566051-A-G.
Other names: L365P; c.1094T>C, p.Leu365Pro (NM_001136504.1).
Identifiers: ClinVar variation 1192313 (VCV001192313.4), dbSNP rs2149064005, ClinGen allele CA344256107.

ClinVar aggregate classification (germline): Pathogenic. Review status: criteria provided, single submitter (1 of 4 stars). 2 submissions from 2 submitters: Pathogenic (1). 1 of the submissions does not count toward it. Last evaluated 2025-07-12.

Conditions:
Congenital myasthenic syndrome 7. Also called: Myasthenic syndrome, congenital, 7, presynaptic; MYASTHENIC SYNDROME, CONGENITAL, 7A, PRESYNAPTIC, AND DISTAL MOTOR NEUROPATHY, AUTOSOMAL DOMINANT. Identifiers: Orphanet 590, MedGen C4015038, MONDO:0014468, OMIM 616040.

Submissions (2):

Labcorp Genetics (formerly Invitae), Labcorp
Classification: Pathogenic. Last evaluated: 2025-07-12. Review status: criteria provided, single submitter. Criteria: Invitae Variant Classification Sherloc (09022015). Collection method: clinical testing. Allele origin: germline.
Comment: This sequence change replaces leucine, which is neutral and non-polar, with proline, which is neutral and non-polar, at codon 365 of the SYT2 protein (p.Leu365Pro). This variant is not present in population databases (gnomAD no frequency). This missense change has been observed in individual(s) with congenital myasthenic syndrome (PMID: 34037996). In at least one individual the variant was observed to be de novo. ClinVar contains an entry for this variant (Variation ID: 1192313). Invitae Evidence Modeling of protein sequence and biophysical properties (such as structural, functional, and spatial information, amino acid conservation, physicochemical variation, residue mobility, and thermodynamic stability) indicates that this missense variant is expected to disrupt SYT2 protein function with a positive predictive value of 80%. For these reasons, this variant has been classified as Pathogenic.

OMIM
Classification: Pathogenic for MYASTHENIC SYNDROME, CONGENITAL, 7A, PRESYNAPTIC, AND DISTAL MOTOR NEUROPATHY, AUTOSOMAL DOMINANT. Last evaluated: 2021-08-06. Review status: no assertion criteria provided. Collection method: literature only. Allele origin: germline. Not counted in ClinVar's aggregate classification.

Literature cited by the submitters: PubMed 34037996 (cited by Labcorp Genetics (formerly Invitae), Labcorp and OMIM).